The following is an entry in ClinVar:

NM_207111.4(RNF216):c.1550G>C (p.Arg517Pro)

Gene: RNF216 (ring finger protein 216; minus strand). Cytogenetic location: 7p22.1.
Variant type: single nucleotide variant.
Coding change: c.1550G>C on transcript NM_207111.4 (MANE Select); coding-DNA position 1550, G replaced by C.
Protein change: p.Arg517Pro; replaces arginine 517 with proline.
Molecular consequence: missense variant.
Genome position (GRCh38, 1-based): chr7:5,721,127, C>G on the plus strand (G>C on the coding strand, the complement: RNF216 is on the minus strand). VCF-style: chr7-5721127-C-G. GRCh37 (hg19) VCF-style: chr7-5760758-C-G.
Other names: c.1379G>C, p.Arg460Pro (NM_001377156.1, NM_207116.3); short protein forms R517P, R460P.
Identifiers: ClinVar variation 1515247 (VCV001515247.6), dbSNP rs747273538, ClinGen allele CA366727380.

ClinVar aggregate classification (germline): Uncertain significance (1 of 4 stars; one submission).

Submission:

Labcorp Genetics (formerly Invitae), Labcorp
Classification: Uncertain significance. Last evaluated: 2022-11-08. Review status: criteria provided, single submitter. Criteria: Invitae Variant Classification Sherloc (09022015). Collection method: clinical testing. Allele origin: germline.
Comment: In summary, the available evidence is currently insufficient to determine the role of this variant in disease. Therefore, it has been classified as a Variant of Uncertain Significance. Algorithms developed to predict the effect of missense changes on protein structure and function (SIFT, PolyPhen-2, Align-GVGD) all suggest that this variant is likely to be disruptive. ClinVar contains an entry for this variant (Variation ID: 1515247). This variant has not been reported in the literature in individuals affected with RNF216-related conditions. This variant is not present in population databases (gnomAD no frequency). This sequence change replaces arginine, which is basic and polar, with proline, which is neutral and non-polar, at codon 517 of the RNF216 protein (p.Arg517Pro).